The following is an entry in ClinVar:

NM_014225.6(PPP2R1A):c.871A>T (p.Met291Leu)

Gene: PPP2R1A (protein phosphatase 2 scaffold subunit Aalpha; plus strand). Cytogenetic location: 19q13.41.
Variant type: single nucleotide variant.
Coding change: c.871A>T on transcript NM_014225.6 (MANE Select); coding-DNA position 871, A replaced by T.
Protein change: p.Met291Leu; replaces methionine 291 with leucine.
Molecular consequence: missense variant. On other transcripts: non-coding transcript variant (1).
Genome position (GRCh38, 1-based): chr19:52,215,842, A>T. VCF-style: chr19-52215842-A-T. GRCh37 (hg19) VCF-style: chr19-52719095-A-T.
Other names: c.334A>T, p.Met112Leu (NM_001363656.2); short protein forms M112L, M291L.
Identifiers: ClinVar variation 1503010 (VCV001503010.8), dbSNP rs753529647, ClinGen allele CA9621452.
Genomic context (GRCh38, chr19:52,215,842, plus strand): 5'-CAGAAAGCAGTGGGGCCTGAGATCACCAAGACAGACCTGGTCCCTGCCTTCCAGAACCTG[A>T]TGAAAGACTGTGAGGCCGAGGTGAGGGCCGCAGCCTCCCACAAGGTCAAAGGTTGGTGCT-3'
Protein context (NP_055040.2, residues 281-301): TDLVPAFQNL[Met291Leu]KDCEAEVRAA

ClinVar aggregate classification (germline): Uncertain significance (1 of 4 stars; one submission).

Allele frequency attached by ClinVar (database versions not stated): gnomAD exomes below 0.00001; ExAC 0.00001.
gnomAD v4.1: 1 of 1,614,004 alleles (0.000062%); highest among the groups gnomAD compares: South Asian, 0.0011%; no homozygotes.

Submission:

Labcorp Genetics (formerly Invitae), Labcorp
Classification: Uncertain significance. Last evaluated: 2023-10-03. Review status: criteria provided, single submitter. Criteria: Invitae Variant Classification Sherloc (09022015). Collection method: clinical testing. Allele origin: germline.
Comment: This sequence change replaces methionine, which is neutral and non-polar, with leucine, which is neutral and non-polar, at codon 291 of the PPP2R1A protein (p.Met291Leu). This variant is present in population databases (rs753529647, gnomAD 0.003%). This variant has not been reported in the literature in individuals affected with PPP2R1A-related conditions. ClinVar contains an entry for this variant (Variation ID: 1503010). An algorithm developed to predict the effect of missense changes on protein structure and function (PolyPhen-2) suggests that this variant is likely to be tolerated. In summary, the available evidence is currently insufficient to determine the role of this variant in disease. Therefore, it has been classified as a Variant of Uncertain Significance.